The following is an entry in ClinVar:

NM_006531.5(IFT88):c.698-7A>G

Gene: IFT88 (intraflagellar transport 88; plus strand). Cytogenetic location: 13q12.11.
Variant type: single nucleotide variant.
Coding change: c.698-7A>G on transcript NM_006531.5 (MANE Select); 7 bases into the intron before coding-DNA position 698, A replaced by G.
Molecular consequence: intron variant.
Genome position (GRCh38, 1-based): chr13:20,599,444, A>G. VCF-style: chr13-20599444-A-G. GRCh37 (hg19) VCF-style: chr13-21173583-A-G.
Other names: c.725-7A>G (NM_001318493.2, NM_175605.5, NM_001353570.2 and 7 more transcripts); c.698-7A>G (NM_001353568.2, NM_001353572.2, NM_001353571.2 and 1 more transcripts); c.65-7A>G (NM_001353579.2); c.641-7A>G (NM_001353575.2, NM_001318491.2, NM_001353573.2 and 1 more transcripts).
Identifiers: ClinVar variation 2909714 (VCV002909714.4), dbSNP rs113493127, ClinGen allele CA6905179.
Genomic context (GRCh38, chr13:20,599,444, plus strand): 5'-GTCATCTAAAATATCAAAGAGTGGAAAAATGAGAGTATTATACATTCATTAAATTTTTTT[A>G]AATTAGGAATATTGAAAATGAATATGGGAAATATCTATTTAAAGCAAAGAAATTATTCCA-3'

ClinVar aggregate classification (germline): Likely benign. Review status: criteria provided, multiple submitters, no conflicts (2 of 4 stars). 2 submissions from 2 submitters: Likely benign (2). Last evaluated 2026-07-05.

Conditions:
IFT88-related disorder. Also called: IFT88-related condition.

Allele frequency attached by ClinVar (database versions not stated): ESP Exome Variant Server 0.00016.
gnomAD v4.1: 25 of 1,047,444 alleles (0.0024%); highest among the groups gnomAD compares: African/African-American, 0.029%; no homozygotes.

Submissions (2):

PreventionGenetics, part of Exact Sciences
Classification: Likely benign for IFT88-related condition. Last evaluated: 2026-07-05. Review status: criteria provided, single submitter. Criteria: ACMG Guidelines, 2015. Collection method: clinical testing. Allele origin: germline.
Comment: This variant is classified as likely benign based on ACMG/AMP sequence variant interpretation guidelines (Richards et al. 2015 PMID: 25741868, with internal and published modifications).

Labcorp Genetics (formerly Invitae), Labcorp
Classification: Likely benign. Last evaluated: 2025-11-02. Review status: criteria provided, single submitter. Criteria: Invitae Variant Classification Sherloc (09022015). Collection method: clinical testing. Allele origin: germline.